The following is an entry in ClinVar:

NM_005876.5(SPEG):c.2071C>T (p.Gln691Ter)

Gene: SPEG (striated muscle enriched protein kinase; plus strand). Cytogenetic location: 2q35.
Variant type: single nucleotide variant.
Coding change: c.2071C>T on transcript NM_005876.5 (MANE Select); coding-DNA position 2071, C replaced by T.
Protein change: p.Gln691Ter; replaces glutamine 691 with a stop codon.
Molecular consequence: nonsense.
Genome position (GRCh38, 1-based): chr2:219,449,229, C>T. VCF-style: chr2-219449229-C-T. GRCh37 (hg19) VCF-style: chr2-220313951-C-T.
Other names: short protein forms Q691*.
Identifiers: ClinVar variation 1453595 (VCV001453595.6), dbSNP rs2125288672, ClinGen allele CA350726492.

ClinVar aggregate classification (germline): Pathogenic (1 of 4 stars; one submission).

Submission:

Labcorp Genetics (formerly Invitae), Labcorp
Classification: Pathogenic. Last evaluated: 2021-07-04. Review status: criteria provided, single submitter. Criteria: Invitae Variant Classification Sherloc (09022015). Collection method: clinical testing. Allele origin: germline.
Comment: For these reasons, this variant has been classified as Pathogenic. This variant has not been reported in the literature in individuals affected with SPEG-related conditions. The frequency data for this variant in the population databases is considered unreliable, as metrics indicate insufficient coverage at this position in the ExAC database. This sequence change creates a premature translational stop signal (p.Gln691*) in the SPEG gene. It is expected to result in an absent or disrupted protein product. Loss-of-function variants in SPEG are known to be pathogenic (PMID: 19118250, 25087613).

Literature cited by the submitters: PubMed 19118250; PubMed 25087613.